The following is an entry in ClinVar:

NM_000143.4(FH):c.1A>C (p.Met1Leu)

Gene: FH (fumarate hydratase; minus strand). Cytogenetic location: 1q43.
Variant type: single nucleotide variant.
Coding change: c.1A>C on transcript NM_000143.4 (MANE Select); coding-DNA position 1, A replaced by C.
Protein change: p.Met1Leu; changes the start codon (methionine 1).
Molecular consequence: missense variant, initiator codon variant.
Genome position (GRCh38, 1-based): chr1:241,519,722, T>G on the plus strand (A>C on the coding strand, the complement: FH is on the minus strand). VCF-style: chr1-241519722-T-G. GRCh37 (hg19) VCF-style: chr1-241683022-T-G.
Other names: short protein forms M1L.
Identifiers: ClinVar variation 296878 (VCV000296878.30), dbSNP rs776806414, ClinGen allele CA10609675.
Genomic context (GRCh38, chr1:241,519,722, plus strand): 5'-CTGCGGCTGGAGCCCGCACGAGGGGACGCGAGCGCGCGAGGAGCCGAAGTGCTCGGTACA[T>G]GGTGCTGAGGGAGCTTGGGTAGAATTTCTGGGCGGCTGTGGCCACGCCTCCACGCCGGTT-3'
Protein context (NP_000134.2, residues 1-11): [Met1Leu]YRALRLLARS

ClinVar aggregate classification (germline): Conflicting classifications of pathogenicity. Review status: criteria provided, conflicting classifications (1 of 4 stars). 7 submissions from 6 submitters: Likely pathogenic (3); Uncertain significance (3). 1 of the submissions does not count toward it. Last evaluated 2025-07-03.

Conditions:
Hereditary cancer-predisposing syndrome. Also called: Tumor predisposition; Hereditary neoplastic syndrome; Neoplastic Syndromes, Hereditary; Hereditary Cancer Syndrome. Identifiers: Orphanet 140162, MedGen C0027672, MeSH D009386, MONDO:0015356.
Hereditary leiomyomatosis and renal cell cancer. Also called: Multiple cutaneous leiomyomas; MULTIPLE CUTANEOUS AND UTERINE LEIOMYOMATA 1, WITH OR WITHOUT RENAL CELL CARCINOMA; FH tumor predisposition syndrome; LEIOMYOMA, MULTIPLE CUTANEOUS; Reed syndrome; Multiple cutaneous and uterine leiomyomatosis. Identifiers: Orphanet 523, MedGen C1708350, MONDO:0007888, OMIM 150800, HP:0007437. Disease mechanism: loss of function.
Fumarase deficiency (FMRD). Also called: Fumaric aciduria; Fumarate Hydratase Deficiency. Identifiers: Orphanet 24, MedGen C0342770, MONDO:0011730, OMIM 606812.

Submissions (7):

Ambry Genetics
Classification: Uncertain significance for Hereditary cancer-predisposing syndrome. Last evaluated: 2025-07-03. Review status: criteria provided, single submitter. Criteria: Ambry Variant Classification Scheme 2023. Collection method: clinical testing. Allele origin: germline.
Comment: The p.M1? variant (also known as c.1A>C), located in coding exon 1 of the FH gene, results from a A to C substitution at nucleotide position 1. This alters the methionine residue at the initiation codon. Variations that modify the initiation codon (ATG) are expected to result in either loss of translation initiation, N-terminal truncation, or cause a shift in the mRNA reading frame; however, there is an alternate in-frame methionine 44 amino acids from the initiation site. Proteins initiated from the first methionine are targeted to the mitochondrion while proteins initiated from the second methionine are targeted to the cytoplasm due to the lack of the mitochondrial targeting sequence encoded between them (Dik E et al. Traffic. 2016 Jul;17:720-32, Magrane M et al. Database (Oxford). 2011; bar009). Data suggest that it is the cytoplasmic protein that conveys the tumor suppressor function of FH (Yogev O et al. PLoS Biol. 2010 Mar;8:e1000328). This nucleotide position is highly conserved in available vertebrate species. Based on the available evidence, the clinical significance of this variant remains unclear.

Labcorp Genetics (formerly Invitae), Labcorp
Classification: Likely pathogenic. Last evaluated: 2025-05-30. Review status: criteria provided, single submitter. Criteria: Invitae Variant Classification Sherloc (09022015). Collection method: clinical testing. Allele origin: germline.
Comment: This sequence change affects the initiator codon of the FH mRNA. This change may impact translation initiation or efficiency. The next in-frame methionine is located at codon 44. FH has two initiator codons, p.Met1 and p.Met44, which result in two different functional isoforms that localize to the mitochondria and cytosol, respectively (PMID: 21929734, 27037871). Loss-of-function variants in FH are known to be pathogenic (PMID: 11865300, 21398687). Variants affecting the mitochondrial isoform confer risk for fumarate hydratase deficiency, while variants that affect the cytosolic isoform confer risk for FH tumor predisposition syndrome. This variant is present in population databases (no rsID available, gnomAD 0.004%). This variant has not been reported in the literature in individuals affected with FH-related conditions. ClinVar contains an entry for this variant (Variation ID: 296878). This variant disrupts the mitochondria-targeting sequence (MTS) of the FH protein, which is important for protein import into the mitochondria (PMID: 27037871). This suggests that disruption of this region is causative of fumarate hydratase deficiency. In summary, the currently available evidence indicates that the variant is pathogenic, but additional data are needed to prove that conclusively. Therefore, this variant has been classified as Likely Pathogenic for autosomal recessive fumarate hydratase deficiency. However, this variant is not likely to confer risk for autosomal dominant FH tumor predisposition syndrome.

Victorian Clinical Genetics Services, Murdoch Childrens Research Institute
Classification: Likely pathogenic for Fumarase deficiency. Last evaluated: 2024-10-09. Review status: criteria provided, single submitter. Criteria: ACMG Guidelines, 2015. Collection method: clinical testing. Allele origin: germline. Inheritance: Autosomal recessive inheritance.
Comment: Based on the classification scheme VCGS_Germline_v1.3.4, this variant is classified as Likely Pathogenic. Following criteria are met: 0102 - Loss of function is a known mechanism of disease in this gene and is associated with fumarase deficiency (MIM#606812) and leiomyomatosis and renal cell cancer (MIM#150800). (I) 0108 - This gene is associated with both recessive and dominant disease (OMIM). Autosomal dominant hereditary leiomyomatosis and renal cell cancer (MIM#150800) has been associated with the cytosolic isoform (PMIDs: 20231875, 21398687, 28300276). (I) 0206 - Variant is predicted to result in a loss of the canonical translation initiation codon (ATG). The first 43 amino acid residues encode the mitochondrial targeting sequence, followed by an alternative initiation codon p.Met44 (PMID: 27037871). This variant is expected to affect the mitochondrial isoform, but not the cytosolic isoform. (SP) 0251 - This variant is heterozygous. (I) 0304 - Variant is present in gnomAD <0.01 (v2: 2 heterozygotes, 0 homozygotes). (SP) 0309 - Multiple alternative amino acid changes at the same position has been observed in gnomAD (v2) (highest allele count: 3 heterozygotes, 0 homozygotes). (I) 0708 - Other start-loss variants comparable to the one identified in this case have conflicting previous evidence for pathogenicity. p.(Met1Val), p.(Met1Leu), p.(Met1Arg), p.(Met1Thr) and p.(Met1Lys) have been classified as both likely pathogenic and variants of uncertain significance, and p.(Met1Ile) has been classified as likely pathogenic by clinical laboratories (ClinVar). In addition, p.(Met1Val) has been reported once in a heterozygous individual with urothelial carcinoma without renal cell carcinoma (PMID: 31844177). (I) 0808 - Previous reports of pathogenicity for this variant are conflicting. This variant has been reported twice as likely pathogenic and twice as a variant of uncertain significance by clinical laboratories (ClinVar). (I) 0905 - No published segregation evidence has been identified for this variant. (I) 1007 - No published functional evidence has been identified for this variant. (I) Legend: (SP) - Supporting pathogenic, (I) - Information, (SB) - Supporting benign

Fulgent Genetics
Classification: Likely pathogenic for Hereditary leiomyomatosis and renal cell cancer; Fumarase deficiency. Last evaluated: 2024-04-08. Review status: criteria provided, single submitter. Criteria: ACMG Guidelines, 2015. Collection method: clinical testing. Allele origin: germline.

Illumina Laboratory Services, Illumina
Classification: Uncertain significance for Hereditary leiomyomatosis and renal cell cancer. Last evaluated: 2018-01-13. Review status: criteria provided, single submitter. Criteria: ICSL Variant Classification Criteria 13 December 2019. Collection method: clinical testing. Allele origin: germline.

Illumina Laboratory Services, Illumina
Classification: Uncertain significance for Fumarase deficiency. Last evaluated: 2018-01-13. Review status: criteria provided, single submitter. Criteria: ICSL Variant Classification Criteria 13 December 2019. Collection method: clinical testing. Allele origin: germline.

Natera, Inc.
Classification: Likely pathogenic for Fumarase Deficiency. Last evaluated: 2020-09-01. Review status: no assertion criteria provided. Collection method: clinical testing. Allele origin: germline. Not counted in ClinVar's aggregate classification.

Literature cited by the submitters: PubMed 21447597 (cited by Ambry Genetics); PubMed 21929734 (cited by Ambry Genetics and Labcorp Genetics (formerly Invitae), Labcorp); PubMed 27037871 (cited by 3 submitters); PubMed 11865300 (cited by Labcorp Genetics (formerly Invitae), Labcorp); PubMed 21398687 (cited by Labcorp Genetics (formerly Invitae), Labcorp and Victorian Clinical Genetics Services, Murdoch Childrens Research Institute); PubMed 20231875 (cited by Victorian Clinical Genetics Services, Murdoch Childrens Research Institute); PubMed 28300276 (cited by Victorian Clinical Genetics Services, Murdoch Childrens Research Institute); PubMed 31844177 (cited by Victorian Clinical Genetics Services, Murdoch Childrens Research Institute).